The following is an entry in ClinVar:

ClinVar aggregate classification (germline): Pathogenic (1 of 4 stars; one submission).

Conditions:
Severe combined immunodeficiency, autosomal recessive, T cell-negative, B cell-negative, NK cell-negative, due to adenosine deaminase deficiency. Also called: ADA-SCID; SCID DUE TO ADA DEFICIENCY; SCID DUE TO ADA DEFICIENCY, EARLY-ONSET; ADA deficiency; Adenosine deaminase deficient severe combined immunodeficiency; Severe combined immunodeficiency due to ADA deficiency. Identifiers: Orphanet 277, MedGen C0392607, MONDO:0007064, OMIM 102700.

Submission:

Myriad Genetics, Inc.
Classification: Pathogenic for Severe combined immunodeficiency, autosomal recessive, T cell-negative, B cell-negative, NK cell-negative, due to adenosine deaminase deficiency. Last evaluated: 2024-12-22. Review status: criteria provided, single submitter. Criteria: Myriad Autosomal Dominant, Autosomal Recessive and X-Linked Classification Criteria (2023). Collection method: clinical testing. Allele origin: unknown.
Comment: NM_000022.2(ADA):c.640delC(H214Tfs*10) is expected to be pathogenic in the context of adenosine deaminase deficiency. This variant is predicted to lead to an abnormal or absent protein product due to the creation of a premature termination codon in ADA, a gene where loss-of-function variants are known to be pathogenic. Please note: this variant was assessed in the context of healthy population screening.

NM_000022.4(ADA):c.640del (p.His214fs)

Gene: ADA (adenosine deaminase; minus strand). Cytogenetic location: 20q13.12.
Variant type: Deletion.
Coding change: c.640del on transcript NM_000022.4 (MANE Select); coding-DNA position 640, one base deleted (C; older notation c.640delC).
Protein change: p.His214fs; shifts the reading frame from histidine 214.
Molecular consequence: frameshift variant. On other transcripts: non-coding transcript variant (1), intron variant (1).
Genome position (GRCh38, 1-based): chr20:44,623,045, G deleted on the plus strand (C on the coding strand, the reverse complement: ADA is on the minus strand); the first of 2 consecutive G bases (chr20:44,623,045-44,623,046); deleting either gives the same sequence. VCF-style (leftmost placement, unchanged base first): chr20-44623044-TG-T. GRCh37 (hg19) VCF-style: chr20-43251685-TG-T.
Other names: c.235del, p.His79fs (NM_001322050.2); c.607-115del (NM_001322051.2); short protein forms H214fs, H79fs.
Identifiers: ClinVar variation 5013881 (VCV005013881.1).